The following is an entry in ClinVar:

NM_001130987.2(DYSF):c.778G>T (p.Glu260Ter)

Gene: DYSF (dysferlin; plus strand). Cytogenetic location: 2p13.2.
Variant type: single nucleotide variant.
Coding change: c.778G>T on transcript NM_001130987.2 (MANE Select); coding-DNA position 778, G replaced by T.
Protein change: p.Glu260Ter; replaces glutamic acid 260 with a stop codon.
Molecular consequence: nonsense.
Genome position (GRCh38, 1-based): chr2:71,515,641, G>T. VCF-style: chr2-71515641-G-T. GRCh37 (hg19) VCF-style: chr2-71742771-G-T.
Other names: c.685G>T, p.Glu229Ter (NM_001130455.2, NM_001130986.2, NM_001130983.2 and 1 more transcripts); c.682G>T, p.Glu228Ter (NM_003494.4, NM_001130976.2, NM_001130977.2 and 1 more transcripts); c.775G>T, p.Glu259Ter (NM_001130979.2, NM_001130980.2, NM_001130981.2); c.778G>T, p.Glu260Ter (NM_001130982.2, NM_001130985.2); short protein forms E228*, E229*, E259*, E260*.
Identifiers: ClinVar variation 984231 (VCV000984231.4), dbSNP rs759065714, ClinGen allele CA347208373.

ClinVar aggregate classification (germline): Likely pathogenic (1 of 4 stars; one submission).

Conditions:
Autosomal recessive limb-girdle muscular dystrophy. Identifiers: Orphanet 102015, MedGen C2931907, MONDO:0015152.

Submission:

Myriad Genetics, Inc.
Classification: Likely pathogenic for Autosomal recessive limb-girdle muscular dystrophy. Last evaluated: 2019-12-29. Review status: criteria provided, single submitter. Criteria: Myriad Autosomal Dominant, Autosomal Recessive and X-Linked Classification Criteria (2023). Collection method: clinical testing. Allele origin: unknown.
Comment: NM_003494.3(DYSF):c.682G>T(E228*) is expected to be pathogenic in the context of dysferlinopathy. This variant is predicted to lead to an abnormal or absent protein product due to the creation of a premature termination codon in DYSF, a gene where loss-of-function variants are known to be pathogenic. Please note: this variant was assessed in the context of healthy population screening.